The following is an entry in ClinVar:

NM_005609.4(PYGM):c.125del (p.Lys42fs)

Gene: PYGM (glycogen phosphorylase, muscle associated; minus strand). Cytogenetic location: 11q13.1.
Variant type: Deletion.
Coding change: c.125del on transcript NM_005609.4 (MANE Select); coding-DNA position 125, one base deleted (A; older notation c.125delA).
Protein change: p.Lys42fs; shifts the reading frame from lysine 42.
Molecular consequence: frameshift variant.
Genome position (GRCh38, 1-based): chr11:64,759,774, T deleted on the plus strand (A on the coding strand, the reverse complement: PYGM is on the minus strand); the first of 3 consecutive T bases (chr11:64,759,774-64,759,776); deleting any one gives the same sequence. VCF-style (leftmost placement, unchanged base first): chr11-64759773-CT-C. GRCh37 (hg19) VCF-style: chr11-64527245-CT-C.
Other names: c.125del, p.Lys42fs (NM_001164716.1); c.125del (NM_005609.3); short protein forms K42fs.
Identifiers: ClinVar variation 2678130 (VCV002678130.6), dbSNP rs2496675458, ClinGen allele CA2574865079.

ClinVar aggregate classification (germline): Pathogenic/Likely pathogenic. Review status: criteria provided, multiple submitters, no conflicts (2 of 4 stars). 4 submissions from 4 submitters: Pathogenic (1); Likely pathogenic (3). Last evaluated 2025-11-27.

Conditions:
Glycogen storage disease, type V (GSD5). Also called: McArdle type glycogen storage disease; MCARDLE DISEASE; MUSCLE GLYCOGEN PHOSPHORYLASE DEFICIENCY; MYOPHOSPHORYLASE DEFICIENCY; PYGM DEFICIENCY. Identifiers: Orphanet 368, MedGen C0017924, MONDO:0009293, OMIM 232600.

Submissions (4):

Labcorp Genetics (formerly Invitae), Labcorp
Classification: Pathogenic for Glycogen storage disease, type V. Last evaluated: 2025-11-27. Review status: criteria provided, single submitter. Criteria: Invitae Variant Classification Sherloc (09022015). Collection method: clinical testing. Allele origin: germline.
Comment: This sequence change creates a premature translational stop signal (p.Lys42Argfs*47) in the PYGM gene. It is expected to result in an absent or disrupted protein product. Loss-of-function variants in PYGM are known to be pathogenic (PMID: 8316268, 16786513). This variant is not present in population databases (gnomAD no frequency). This variant has not been reported in the literature in individuals affected with PYGM-related conditions. ClinVar contains an entry for this variant (Variation ID: 2678130). For these reasons, this variant has been classified as Pathogenic.

Natera, Inc.
Classification: Likely pathogenic for Glycogen storage disease V. Last evaluated: 2024-08-19. Review status: criteria provided, single submitter. Criteria: Natera Variant Classification Schema (03/2026). Collection method: clinical testing. Allele origin: germline.
Comment: The c.125del variant in PYGM is a frameshift variant predicted to shift the reading frame beginning at codon 42 and leads to a stop codon 47 codons downstream. This variant is expected to result in nonsense mediated decay, truncation, or a dysfunctional protein product. This variant is rare in the general population with a frequency below the threshold expected for the associated phenotype(s). Given the available evidence, this variant is classified as Likely Pathogenic.

Fulgent Genetics
Classification: Likely pathogenic for Glycogen storage disease, type V. Last evaluated: 2024-02-01. Review status: criteria provided, single submitter. Criteria: ACMG Guidelines, 2015. Collection method: clinical testing. Allele origin: germline.

Baylor Genetics
Classification: Likely pathogenic for Glycogen storage disease, type V. Last evaluated: 2023-04-28. Review status: criteria provided, single submitter. Criteria: ACMG Guidelines, 2015. Collection method: clinical testing. Allele origin: unknown.

Literature cited by the submitters: PubMed 8316268 (cited by Labcorp Genetics (formerly Invitae), Labcorp); PubMed 16786513 (cited by Labcorp Genetics (formerly Invitae), Labcorp).